The following is an entry in ClinVar:

NM_000400.4(ERCC2):c.424G>A (p.Val142Met)

Gene: ERCC2 (ERCC excision repair 2, TFIIH core complex helicase subunit; minus strand). Cytogenetic location: 19q13.32.
Variant type: single nucleotide variant.
Coding change: c.424G>A on transcript NM_000400.4 (MANE Select); coding-DNA position 424, G replaced by A.
Protein change: p.Val142Met; replaces valine 142 with methionine.
Molecular consequence: missense variant.
Genome position (GRCh38, 1-based): chr19:45,365,095, C>T on the plus strand (G>A on the coding strand, the complement: ERCC2 is on the minus strand). VCF-style: chr19-45365095-C-T. GRCh37 (hg19) VCF-style: chr19-45868353-C-T.
Other names: c.352G>A, p.Val118Met (NM_001130867.2); short protein forms V118M, V142M.
Identifiers: ClinVar variation 1739070 (VCV001739070.2), dbSNP rs368379343, ClinGen allele CA406376005.

ClinVar aggregate classification (germline): Uncertain significance (1 of 4 stars; one submission).

Conditions:
Inborn genetic diseases. Identifiers: MedGen C0950123, MeSH D030342.

Allele frequency attached by ClinVar (database versions not stated): gnomAD exomes below 0.00001.

Submission:

Ambry Genetics
Classification: Uncertain significance for Inborn genetic diseases. Last evaluated: 2022-08-04. Review status: criteria provided, single submitter. Criteria: Ambry Variant Classification Scheme 2023. Collection method: clinical testing. Allele origin: germline.
Comment: The p.V142M variant (also known as c.424G>A), located in coding exon 6 of the ERCC2 gene, results from a G to A substitution at nucleotide position 424. The valine at codon 142 is replaced by methionine, an amino acid with highly similar properties. This amino acid position is conserved. In addition, this alteration is predicted to be tolerated by in silico analysis. Since supporting evidence is limited at this time, the clinical significance of this alteration remains unclear.